The following is an entry in ClinVar:

NM_001184.4(ATR):c.7651A>G (p.Met2551Val)

Gene: ATR (ATR serine/threonine kinase; minus strand). Cytogenetic location: 3q23.
Variant type: single nucleotide variant.
Coding change: c.7651A>G on transcript NM_001184.4 (MANE Select); coding-DNA position 7651, A replaced by G.
Protein change: p.Met2551Val; replaces methionine 2551 with valine.
Molecular consequence: missense variant.
Genome position (GRCh38, 1-based): chr3:142,457,608, T>C on the plus strand (A>G on the coding strand, the complement: ATR is on the minus strand). VCF-style: chr3-142457608-T-C. GRCh37 (hg19) VCF-style: chr3-142176450-T-C.
Other names: c.7459A>G, p.Met2487Val (NM_001354579.2); short protein forms M2487V, M2551V.
Identifiers: ClinVar variation 3462679 (VCV003462679.1).

ClinVar aggregate classification (germline): Uncertain significance (1 of 4 stars; one submission).

Conditions:
Inborn genetic diseases. Identifiers: MedGen C0950123, MeSH D030342.

Submission:

Ambry Genetics
Classification: Uncertain significance for Inborn genetic diseases. Last evaluated: 2024-09-15. Review status: criteria provided, single submitter. Criteria: Ambry Variant Classification Scheme 2023. Collection method: clinical testing. Allele origin: germline.
Comment: The p.M2551V variant (also known as c.7651A>G), located in coding exon 45 of the ATR gene, results from an A to G substitution at nucleotide position 7651. The methionine at codon 2551 is replaced by valine, an amino acid with highly similar properties. This amino acid position is conserved. In addition, the in silico prediction for this alteration is inconclusive. Based on the available evidence, the clinical significance of this variant remains unclear.